The following is an entry in ClinVar:

NM_002485.5(NBN):c.697A>T (p.Lys233Ter)

Gene: NBN (nibrin; minus strand). Cytogenetic location: 8q21.3.
Variant type: single nucleotide variant.
Coding change: c.697A>T on transcript NM_002485.5 (MANE Select); coding-DNA position 697, A replaced by T.
Protein change: p.Lys233Ter; replaces lysine 233 with a stop codon.
Molecular consequence: nonsense.
Genome position (GRCh38, 1-based): chr8:89,971,178, T>A on the plus strand (A>T on the coding strand, the complement: NBN is on the minus strand). VCF-style: chr8-89971178-T-A. GRCh37 (hg19) VCF-style: chr8-90983406-T-A.
Other names: c.451A>T, p.Lys151Ter (NM_001024688.3); short protein forms K233*, K151*.
Identifiers: ClinVar variation 545972 (VCV000545972.4), dbSNP rs1554564205, ClinGen allele CA371658928.
Genomic context (GRCh38, chr8:89,971,178, plus strand): 5'-TGTATCCTAGTTTGTAATGTATTCTTTAGGAAAATTTAGCTTATAACATAATTACCTGTT[T>A]GGCATTCAAAAATATAAATGTTTTCCCTTTGAAGATTTGTTTTCTTTCCTGCCGTCCTGA-3'

ClinVar aggregate classification (germline): Likely pathogenic (1 of 4 stars; one submission).

Submission:

GeneDx
Classification: Likely pathogenic. Last evaluated: 2021-11-18. Review status: criteria provided, single submitter. Criteria: GeneDx Variant Classification Process June 2021. Collection method: clinical testing. Allele origin: germline. Affected: yes.
Comment: Nonsense variant predicted to result in protein truncation or nonsense mediated decay in a gene for which loss-of-function is a known mechanism of disease; Not observed at significant frequency in large population cohorts (Lek et al., 2016); Has not been previously published as pathogenic or benign to our knowledge